The following is an entry in ClinVar:

NM_001457.4(FLNB):c.5285-3T>C

Gene: FLNB (filamin B; plus strand). Cytogenetic location: 3p14.3.
Variant type: single nucleotide variant.
Coding change: c.5285-3T>C on transcript NM_001457.4 (MANE Select); 3 bases into the intron before coding-DNA position 5285, T replaced by C.
Molecular consequence: intron variant.
Genome position (GRCh38, 1-based): chr3:58,143,470, T>C. VCF-style: chr3-58143470-T-C. GRCh37 (hg19) VCF-style: chr3-58129197-T-C.
Other names: c.5378-3T>C (NM_001164317.2); c.5252-3T>C (NM_001164318.2); c.5213-3T>C (NM_001164319.2).
Identifiers: ClinVar variation 1417213 (VCV001417213.6), dbSNP rs1250728472, ClinGen allele CA543252405.
Genomic context (GRCh38, chr3:58,143,470, plus strand): 5'-GCTCTGCTTCTCTGGGGAAGGTTGCTGGTGGGCTTCATTGCCCCGTCTCTCTGTGCTCCA[T>C]AGGAGAGGTCCACATGCCTTCTGGGAAGACAGCCACACCTGAGATTGTGGACAACAAGGA-3'

ClinVar aggregate classification (germline): Uncertain significance (1 of 4 stars; one submission).

Allele frequency attached by ClinVar (database versions not stated): TOPMed below 0.00001; gnomAD 0.00002.
gnomAD v4.1: 3 of 1,613,970 alleles (0.00019%); highest among the groups gnomAD compares: Non-Finnish European, 0.000085%; no homozygotes.

Submission:

Labcorp Genetics (formerly Invitae), Labcorp
Classification: Uncertain significance. Last evaluated: 2022-03-17. Review status: criteria provided, single submitter. Criteria: Invitae Variant Classification Sherloc (09022015). Collection method: clinical testing. Allele origin: germline.
Comment: In summary, the available evidence is currently insufficient to determine the role of this variant in disease. Therefore, it has been classified as a Variant of Uncertain Significance. Variants that disrupt the consensus splice site are a relatively common cause of aberrant splicing (PMID: 17576681, 9536098). Algorithms developed to predict the effect of sequence changes on RNA splicing suggest that this variant is not likely to affect RNA splicing. This variant has not been reported in the literature in individuals affected with FLNB-related conditions. This variant is present in population databases (no rsID available, gnomAD 0.007%). This sequence change falls in intron 31 of the FLNB gene. It does not directly change the encoded amino acid sequence of the FLNB protein. It affects a nucleotide within the consensus splice site.

Literature cited by the submitters: PubMed 17576681; PubMed 9536098.